The following is an entry in ClinVar:

ClinVar aggregate classification (germline): Uncertain significance (1 of 4 stars; one submission).

Conditions:
Duchenne muscular dystrophy (DMD). Also called: MUSCULAR DYSTROPHY, PSEUDOHYPERTROPHIC PROGRESSIVE, DUCHENNE TYPE; Duchenne Muscular Dystrophy (DMD). Identifiers: Orphanet 98896, MedGen C0013264, MONDO:0010679, OMIM 310200.

Submission:

Labcorp Genetics (formerly Invitae), Labcorp
Classification: Uncertain significance for Duchenne muscular dystrophy. Last evaluated: 2024-11-12. Review status: criteria provided, single submitter. Criteria: Invitae Variant Classification Sherloc (09022015). Collection method: clinical testing. Allele origin: germline.
Comment: This sequence change replaces lysine, which is basic and polar, with arginine, which is basic and polar, at codon 1921 of the DMD protein (p.Lys1921Arg). This variant is not present in population databases (gnomAD no frequency). This variant has not been reported in the literature in individuals affected with DMD-related conditions. Invitae Evidence Modeling of protein sequence and biophysical properties (such as structural, functional, and spatial information, amino acid conservation, physicochemical variation, residue mobility, and thermodynamic stability) indicates that this missense variant is not expected to disrupt DMD protein function with a negative predictive value of 95%. In summary, the available evidence is currently insufficient to determine the role of this variant in disease. Therefore, it has been classified as a Variant of Uncertain Significance.

NM_004006.3(DMD):c.5762A>G (p.Lys1921Arg)

Gene: DMD (dystrophin; minus strand). Cytogenetic location: Xp21.1.
Variant type: single nucleotide variant.
Coding change: c.5762A>G on transcript NM_004006.3 (MANE Select); coding-DNA position 5762, A replaced by G.
Protein change: p.Lys1921Arg; replaces lysine 1921 with arginine.
Molecular consequence: missense variant.
Genome position (GRCh38, 1-based): chrX:32,342,260, T>C on the plus strand (A>G on the coding strand, the complement: DMD is on the minus strand). VCF-style: chrX-32342260-T-C. GRCh37 (hg19) VCF-style: chrX-32360377-T-C.
Other names: c.5738A>G, p.Lys1913Arg (NM_000109.4); c.5750A>G, p.Lys1917Arg (NM_004009.3); c.5393A>G, p.Lys1798Arg (NM_004010.3); c.1739A>G, p.Lys580Arg (NM_004011.4); c.1730A>G, p.Lys577Arg (NM_004012.4); short protein forms K1798R, K1913R, K1917R, K1921R, K577R, K580R.
Identifiers: ClinVar variation 3625682 (VCV003625682.2).